The following is an entry in ClinVar:

NM_004082.5(DCTN1):c.359-6C>T

Gene: DCTN1 (dynactin subunit 1; minus strand). Cytogenetic location: 2p13.1.
Variant type: single nucleotide variant.
Coding change: c.359-6C>T on transcript NM_004082.5 (MANE Select); 6 bases into the intron before coding-DNA position 359, C replaced by T.
Molecular consequence: intron variant.
Genome position (GRCh38, 1-based): chr2:74,377,472, G>A on the plus strand (C>T on the coding strand, the complement: DCTN1 is on the minus strand). VCF-style: chr2-74377472-G-A. GRCh37 (hg19) VCF-style: chr2-74604599-G-A.
Other names: c.308-6C>T (NM_001190836.2, NM_001378992.1, NM_001378991.1); c.359-6C>T (NM_001135040.3, NM_001190837.2).
Identifiers: ClinVar variation 1733017 (VCV001733017.5), dbSNP rs374167619, ClinGen allele CA50439611.

ClinVar aggregate classification (germline): Conflicting classifications of pathogenicity. Review status: criteria provided, conflicting classifications (1 of 4 stars). 2 submissions from 2 submitters: Uncertain significance (1); Likely benign (1). Last evaluated 2026-01-25.

Conditions:
Amyotrophic lateral sclerosis type 1 (ALS1). Also called: AMYOTROPHIC LATERAL SCLEROSIS 1, FAMILIAL. Identifiers: Orphanet 803, MedGen C1862939, MONDO:0007103, OMIM 105400.
Neuronopathy, distal hereditary motor, type 7B. Also called: NEURONOPATHY, DISTAL HEREDITARY MOTOR, AUTOSOMAL DOMINANT 14; NEURONOPATHY, DISTAL HEREDITARY MOTOR, HARDING TYPE VIIB; NEUROPATHY, DISTAL HEREDITARY MOTOR, HARDING TYPE VIIB; HMN VIIB; LOWER MOTOR NEURON DISEASE, DYNACTIN TYPE; NEUROPATHY, DISTAL HEREDITARY MOTOR, WITH VOCAL CORD PARALYSIS, HARDING TYPE VIIB. Identifiers: Orphanet 139589, MedGen C1843315, MONDO:0011879, OMIM 607641.
Perry syndrome. Also called: PARKINSONISM WITH ALVEOLAR HYPOVENTILATION AND MENTAL DEPRESSION. Identifiers: Orphanet 178509, MedGen C1868594, MONDO:0008201, OMIM 168605.
Inborn genetic diseases. Identifiers: MedGen C0950123, MeSH D030342.

Allele frequency attached by ClinVar (database versions not stated): gnomAD 0.00001; gnomAD exomes 0.00002; TOPMed 0.00002; ESP Exome Variant Server 0.00008.
gnomAD v4.1: 14 of 1,612,656 alleles (0.00087%); highest among the groups gnomAD compares: Non-Finnish European, 0.001%; no homozygotes.

Submissions (2):

Labcorp Genetics (formerly Invitae), Labcorp
Classification: Likely benign for Amyotrophic lateral sclerosis type 1; Neuronopathy, distal hereditary motor, type 7B; Perry syndrome. Last evaluated: 2026-01-25. Review status: criteria provided, single submitter. Criteria: Invitae Variant Classification Sherloc (09022015). Collection method: clinical testing. Allele origin: germline.

Ambry Genetics
Classification: Uncertain significance for Inborn genetic diseases. Last evaluated: 2020-03-04. Review status: criteria provided, single submitter. Criteria: Ambry Variant Classification Scheme 2023. Collection method: clinical testing. Allele origin: germline.
Comment: The c.359-6C>T intronic variant results from a C to T substitution 6 nucleotides upstream from coding exon 4 in the DCTN1 gene. This nucleotide position is well conserved in available vertebrate species. Using the BDGP and ESEfinder splice site prediction tools, this alteration is not predicted to have any significant effect on this splice acceptor site; however, direct evidence is unavailable. Since supporting evidence is limited at this time, the clinical significance of this alteration remains unclear.